The following is an entry in ClinVar:

NM_004260.4(RECQL4):c.2594A>C (p.Glu865Ala)

Gene: RECQL4 (RecQ like helicase 4; minus strand). Cytogenetic location: 8q24.3.
Variant type: single nucleotide variant.
Coding change: c.2594A>C on transcript NM_004260.4 (MANE Select); coding-DNA position 2594, A replaced by C.
Protein change: p.Glu865Ala; replaces glutamic acid 865 with alanine.
Molecular consequence: missense variant.
Genome position (GRCh38, 1-based): chr8:144,513,008, T>G on the plus strand (A>C on the coding strand, the complement: RECQL4 is on the minus strand). VCF-style: chr8-144513008-T-G. GRCh37 (hg19) VCF-style: chr8-145738391-T-G.
Other names: c.2300A>C, p.Glu767Ala (NM_001413017.1); c.2396A>C, p.Glu799Ala (NM_001413018.1); c.2594A>C, p.Glu865Ala (NM_001413019.1, NM_001413036.1); c.2498A>C, p.Glu833Ala (NM_001413020.1); c.1523A>C, p.Glu508Ala (NM_001413021.1, NM_001413022.1, NM_001413023.1 and 5 more transcripts); c.2465A>C, p.Glu822Ala (NM_001413025.1); c.1391A>C, p.Glu464Ala (NM_001413037.1); c.1325A>C, p.Glu442Ala (NM_001413038.1, NM_001413031.1); and 6 more; short protein forms E508A, E748A, E799A, E821A, E855A, E442A, E486A, E767A.
Identifiers: ClinVar variation 2121008 (VCV002121008.4), dbSNP rs1827541741, ClinGen allele CA372676920.

ClinVar aggregate classification (germline): Uncertain significance (1 of 4 stars; one submission).

Conditions:
Baller-Gerold syndrome (BGS). Also called: CRANIOSYNOSTOSIS WITH RADIAL DEFECTS. Identifiers: Orphanet 1225, MedGen C0265308, MONDO:0009039, OMIM 218600.

Submission:

Labcorp Genetics (formerly Invitae), Labcorp
Classification: Uncertain significance for Baller-Gerold syndrome. Last evaluated: 2022-04-07. Review status: criteria provided, single submitter. Criteria: Invitae Variant Classification Sherloc (09022015). Collection method: clinical testing. Allele origin: germline.
Comment: In summary, the available evidence is currently insufficient to determine the role of this variant in disease. Therefore, it has been classified as a Variant of Uncertain Significance. Algorithms developed to predict the effect of sequence changes on RNA splicing suggest that this variant may create or strengthen a splice site. This variant has not been reported in the literature in individuals affected with RECQL4-related conditions. This variant is not present in population databases (gnomAD no frequency). This sequence change replaces glutamic acid, which is acidic and polar, with alanine, which is neutral and non-polar, at codon 865 of the RECQL4 protein (p.Glu865Ala).